The following is an entry in ClinVar:

ClinVar aggregate classification (germline): Benign/Likely benign. Review status: criteria provided, multiple submitters, no conflicts (2 of 4 stars). 2 submissions from 2 submitters: Benign (1); Likely benign (1). Last evaluated 2024-11-08.

Conditions:
Renal cell carcinoma. Identifiers: Orphanet 217071, MedGen C0007134, MeSH D002292, MONDO:0005086, HP:0005584.
Papillary renal cell carcinoma type 1 (RCCP1). Also called: Renal adenocarcinoma; Renal cell carcinoma 1; Renal cell carcinoma, somatic; RENAL CELL CARCINOMA, PAPILLARY, 1, SOMATIC. Identifiers: Orphanet 47044, MedGen C1336839, OMIM 605074, HP:0011797.

Submissions (2):

Myriad Genetics, Inc.
Classification: Benign for Papillary renal cell carcinoma type 1. Last evaluated: 2024-11-08. Review status: criteria provided, single submitter. Criteria: Myriad Autosomal Dominant, Autosomal Recessive and X-Linked Classification Criteria (2023). Collection method: clinical testing. Allele origin: unknown.
Comment: This variant is considered benign. This variant is a silent/synonymous amino acid change and it is not expected to impact splicing.

Labcorp Genetics (formerly Invitae), Labcorp
Classification: Likely benign for Renal cell carcinoma. Last evaluated: 2019-06-11. Review status: criteria provided, single submitter. Criteria: Invitae Variant Classification Sherloc (09022015). Collection method: clinical testing. Allele origin: germline.

NM_000245.4(MET):c.2220A>G (p.Glu740=)

Gene: MET (MET proto-oncogene, receptor tyrosine kinase; plus strand). Cytogenetic location: 7q31.2.
Variant type: single nucleotide variant.
Coding change: c.2220A>G on transcript NM_000245.4 (MANE Select); coding-DNA position 2220, A replaced by G.
Protein change: p.Glu740=; no amino-acid change (glutamic acid 740 retained).
Molecular consequence: synonymous variant.
Genome position (GRCh38, 1-based): chr7:116,758,576, A>G. VCF-style: chr7-116758576-A-G. GRCh37 (hg19) VCF-style: chr7-116398630-A-G.
Other names: c.2220A>G, p.Glu740= (NM_001127500.3, NM_001324401.3); c.930A>G, p.Glu310= (NM_001324402.2).
Identifiers: ClinVar variation 454208 (VCV000454208.11), dbSNP rs1554395720, ClinGen allele CA457216902.